The following is an entry in ClinVar:

ClinVar aggregate classification (germline): Uncertain significance (1 of 4 stars; one submission).

Conditions:
ASH1L-related disorder. Also called: ASH1L-related condition.

Allele frequency attached by ClinVar (database versions not stated): ESP Exome Variant Server 0.00008; gnomAD 0.00010; TOPMed 0.00011; gnomAD exomes 0.00012; ExAC 0.00015.
gnomAD v4.1: 193 of 1,614,054 alleles (0.012%); highest among the groups gnomAD compares: Admixed American, 0.017%; no homozygotes.

Submission:

PreventionGenetics, part of Exact Sciences
Classification: Uncertain significance for ASH1L-related condition. Last evaluated: 2023-08-03. Review status: criteria provided, single submitter. Criteria: ACMG Guidelines, 2015. Collection method: clinical testing. Allele origin: germline.
Comment: The ASH1L c.5317G>A variant is predicted to result in the amino acid substitution p.Asp1773Asn. To our knowledge, this variant has not been reported in the literature. This variant is reported in 0.020% of alleles in individuals of European (Non-Finnish) descent in gnomAD. Although we suspect that this variant is benign, at this time, the clinical significance of this variant is uncertain due to the absence of conclusive functional and genetic evidence.

NM_018489.3(ASH1L):c.5317G>A (p.Asp1773Asn)

Gene: ASH1L (ASH1 like histone lysine methyltransferase; minus strand). Cytogenetic location: 1q22.
Variant type: single nucleotide variant.
Coding change: c.5317G>A on transcript NM_018489.3 (MANE Select); coding-DNA position 5317, G replaced by A.
Protein change: p.Asp1773Asn; replaces aspartic acid 1773 with asparagine.
Molecular consequence: missense variant.
Genome position (GRCh38, 1-based): chr1:155,438,838, C>T on the plus strand (G>A on the coding strand, the complement: ASH1L is on the minus strand). VCF-style: chr1-155438838-C-T. GRCh37 (hg19) VCF-style: chr1-155408629-C-T.
Other names: c.5317G>A, p.Asp1773Asn (NM_001366177.2); short protein forms D1773N.
Identifiers: ClinVar variation 2635835 (VCV002635835.1), dbSNP rs370591853, ClinGen allele CA1146772.